The following is an entry in ClinVar:

NM_000059.4(BRCA2):c.6769C>A (p.Pro2257Thr)

Gene: BRCA2 (BRCA2 DNA repair associated; plus strand). Cytogenetic location: 13q13.1.
Variant type: single nucleotide variant.
Coding change: c.6769C>A on transcript NM_000059.4 (MANE Select); coding-DNA position 6769, C replaced by A.
Protein change: p.Pro2257Thr; replaces proline 2257 with threonine.
Molecular consequence: missense variant.
Genome position (GRCh38, 1-based): chr13:32,341,124, C>A. VCF-style: chr13-32341124-C-A. GRCh37 (hg19) VCF-style: chr13-32915261-C-A.
Other names: c.6769C>A, p.Pro2257Thr (NM_001406719.1, NM_001406720.1); short protein forms P2257T.
Identifiers: ClinVar variation 1755323 (VCV001755323.5), dbSNP rs1566235374, ClinGen allele CA387791212.
Genomic context (GRCh38, chr13:32,341,124, plus strand): 5'-GATGATGAACTGACAGATTCTAAACTGCCAAGTCATGCCACACATTCTCTTTTTACATGT[C>A]CCGAAAATGAGGAAATGGTTTTGTCAAATTCAAGAATTGGAAAAAGAAGAGGAGAGCCCC-3'
Protein context (NP_000050.3, residues 2247-2267): SHATHSLFTC[Pro2257Thr]ENEEMVLSNS

ClinVar aggregate classification (germline): Conflicting classifications of pathogenicity. Review status: criteria provided, conflicting classifications (1 of 4 stars). 3 submissions from 3 submitters: Uncertain significance (2); Likely benign (1). Last evaluated 2025-03-26.

Conditions:
Hereditary breast ovarian cancer syndrome. Also called: Hereditary breast and ovarian cancer syndrome (HBOC); Hereditary breast and ovarian cancer; BRCA1- and BRCA2-Associated Hereditary Breast and Ovarian Cancer; Hereditary breast and ovarian cancer syndrome; Breast and ovarian cancer; Hereditary breast and/or ovarian cancer syndrome. Identifiers: Orphanet 145, MedGen C0677776, MeSH D061325, MONDO:0003582. Disease mechanism: loss of function.
Hereditary cancer-predisposing syndrome. Also called: Neoplastic Syndromes, Hereditary; Tumor predisposition; Hereditary Cancer Syndrome; Hereditary neoplastic syndrome. Identifiers: Orphanet 140162, MedGen C0027672, MeSH D009386, MONDO:0015356.

Submissions (3):

Labcorp Genetics (formerly Invitae), Labcorp
Classification: Uncertain significance for Hereditary breast ovarian cancer syndrome. Last evaluated: 2025-03-26. Review status: criteria provided, single submitter. Criteria: Invitae Variant Classification Sherloc (09022015). Collection method: clinical testing. Allele origin: germline.
Comment: This sequence change replaces proline, which is neutral and non-polar, with threonine, which is neutral and polar, at codon 2257 of the BRCA2 protein (p.Pro2257Thr). This variant is not present in population databases (gnomAD no frequency). This variant has not been reported in the literature in individuals affected with BRCA2-related conditions. ClinVar contains an entry for this variant (Variation ID: 1755323). Invitae Evidence Modeling of protein sequence and biophysical properties (such as structural, functional, and spatial information, amino acid conservation, physicochemical variation, residue mobility, and thermodynamic stability) indicates that this missense variant is not expected to disrupt BRCA2 protein function with a negative predictive value of 95%. In summary, the available evidence is currently insufficient to determine the role of this variant in disease. Therefore, it has been classified as a Variant of Uncertain Significance.

University of Washington Department of Laboratory Medicine, University of Washington
Classification: Likely benign for Hereditary cancer-predisposing syndrome. Last evaluated: 2023-03-23. Review status: criteria provided, single submitter. Criteria: Dines et al. (Genet Med. 2020). Collection method: curation. Allele origin: germline.
Comment: Missense variant in a coldspot region where missense variants are very unlikely to be pathogenic (PMID:31911673).

BRCA2 exon 11 coldspot. Reclassification based on statistical prior probability.

Ambry Genetics
Classification: Uncertain significance for Hereditary cancer-predisposing syndrome. Last evaluated: 2022-01-08. Review status: criteria provided, single submitter. Criteria: Ambry Variant Classification Scheme 2023. Collection method: clinical testing. Allele origin: germline.
Comment: The p.P2257T variant (also known as c.6769C>A), located in coding exon 10 of the BRCA2 gene, results from a C to A substitution at nucleotide position 6769. The proline at codon 2257 is replaced by threonine, an amino acid with highly similar properties. This amino acid position is conserved. In addition, the in silico prediction for this alteration is inconclusive. Since supporting evidence is limited at this time, the clinical significance of this alteration remains unclear.